The following is an entry in ClinVar:

ClinVar aggregate classification (germline): Uncertain significance. Review status: criteria provided, multiple submitters, no conflicts (2 of 4 stars). 2 submissions from 2 submitters: Uncertain significance (2). Last evaluated 2024-12-30.

Conditions:
Inborn genetic diseases. Identifiers: MedGen C0950123, MeSH D030342.
Renal carnitine transport defect (CDSP). Also called: Systemic primary carnitine deficiency; Primary carnitine deficiency; CARNITINE DEFICIENCY, SYSTEMIC, DUE TO DEFECT IN RENAL REABSORPTION OF CARNITINE; CARNITINE TRANSPORTER, PLASMA-MEMBRANE, DEFICIENCY OF; CARNITINE UPTAKE DEFECT; Carnitine transporter deficiency. Identifiers: Orphanet 158, MedGen C0342788, MONDO:0008919, OMIM 212140.

gnomAD v4.1: 1 of 1,609,980 alleles (0.000062%); highest among the groups gnomAD compares: South Asian, 0.0011%; no homozygotes.

Submissions (2):

Ambry Genetics
Classification: Uncertain significance for Inborn genetic diseases. Last evaluated: 2024-12-30. Review status: criteria provided, single submitter. Criteria: Ambry Variant Classification Scheme 2023. Collection method: clinical testing. Allele origin: germline.

Labcorp Genetics (formerly Invitae), Labcorp
Classification: Uncertain significance for Renal carnitine transport defect. Last evaluated: 2021-09-26. Review status: criteria provided, single submitter. Criteria: Invitae Variant Classification Sherloc (09022015). Collection method: clinical testing. Allele origin: germline.
Comment: In summary, the available evidence is currently insufficient to determine the role of this variant in disease. Therefore, it has been classified as a Variant of Uncertain Significance. Algorithms developed to predict the effect of missense changes on protein structure and function output the following: SIFT: "Tolerated"; PolyPhen-2: "Benign"; Align-GVGD: "Class C0". The valine amino acid residue is found in multiple mammalian species, suggesting that this missense change does not adversely affect protein function. These predictions have not been confirmed by published functional studies and their clinical significance is uncertain. This variant has not been reported in the literature in individuals with SLC22A5-related conditions. This variant is not present in population databases (ExAC no frequency). This sequence change replaces alanine with valine at codon 56 of the SLC22A5 protein (p.Ala56Val). The alanine residue is moderately conserved and there is a small physicochemical difference between alanine and valine.

NM_003060.4(SLC22A5):c.167C>T (p.Ala56Val)

Gene: SLC22A5 (solute carrier family 22 member 5; plus strand). Cytogenetic location: 5q31.1.
Variant type: single nucleotide variant.
Coding change: c.167C>T on transcript NM_003060.4 (MANE Select); coding-DNA position 167, C replaced by T.
Protein change: p.Ala56Val; replaces alanine 56 with valine.
Molecular consequence: missense variant.
Genome position (GRCh38, 1-based): chr5:132,370,139, C>T. VCF-style: chr5-132370139-C-T. GRCh37 (hg19) VCF-style: chr5-131705831-C-T.
Other names: c.167C>T (NM_003060.3); c.167C>T, p.Ala56Val (NM_001308122.2); short protein forms A56V.
Identifiers: ClinVar variation 1415069 (VCV001415069.9), dbSNP rs2126765106, ClinGen allele CA360802509.